The following is an entry in ClinVar:

NM_000642.3(AGL):c.4125T>A (p.Tyr1375Ter)

Gene: AGL (amylo-alpha-1,6-glucosidase and 4-alpha-glucanotransferase; plus strand). Cytogenetic location: 1p21.2.
Variant type: single nucleotide variant.
Coding change: c.4125T>A on transcript NM_000642.3 (MANE Select); coding-DNA position 4125, T replaced by A.
Protein change: p.Tyr1375Ter; replaces tyrosine 1375 with a stop codon.
Molecular consequence: nonsense.
Genome position (GRCh38, 1-based): chr1:99,913,702, T>A. VCF-style: chr1-99913702-T-A. GRCh37 (hg19) VCF-style: chr1-100379258-T-A.
Other names: c.4125T>A, p.Tyr1375Ter (NM_000028.3, NM_000643.3, NM_000644.3 and 1 more transcripts); c.4077T>A, p.Tyr1359Ter (NM_000646.3); c.4104T>A, p.Tyr1368Ter (NM_001425326.1); c.3924T>A, p.Tyr1308Ter (NM_001425327.1); c.3921T>A, p.Tyr1307Ter (NM_001425328.1); c.3786T>A, p.Tyr1262Ter (NM_001425329.1); c.3747T>A, p.Tyr1249Ter (NM_001425332.1); short protein forms Y1262*, Y1307*, Y1249*, Y1375*, Y1308*, Y1359*, Y1368*.
Identifiers: ClinVar variation 3650737 (VCV003650737.2).

ClinVar aggregate classification (germline): Pathogenic (1 of 4 stars; one submission).

Conditions:
Glycogen storage disease type III (GSD3). Also called: FORBES DISEASE; Cori disease. Identifiers: Orphanet 366, MedGen C0017922, MONDO:0009291, OMIM 232400.

gnomAD v4.1: 1 of 1,614,146 alleles (0.000062%); highest among the groups gnomAD compares: Non-Finnish European, 0.000085%; no homozygotes.

Submission:

Labcorp Genetics (formerly Invitae), Labcorp
Classification: Pathogenic for Glycogen storage disease type III. Last evaluated: 2024-04-24. Review status: criteria provided, single submitter. Criteria: Invitae Variant Classification Sherloc (09022015). Collection method: clinical testing. Allele origin: germline.
Comment: This sequence change creates a premature translational stop signal (p.Tyr1375*) in the AGL gene. It is expected to result in an absent or disrupted protein product. Loss-of-function variants in AGL are known to be pathogenic (PMID: 19299494). This variant is not present in population databases (gnomAD no frequency). This variant has not been reported in the literature in individuals affected with AGL-related conditions. For these reasons, this variant has been classified as Pathogenic.

Literature cited by the submitters: PubMed 19299494.